The following is an entry in ClinVar:

NM_177438.3(DICER1):c.2905G>A (p.Ala969Thr)

Gene: DICER1 (dicer 1, ribonuclease III; minus strand). Cytogenetic location: 14q32.13.
Variant type: single nucleotide variant.
Coding change: c.2905G>A on transcript NM_177438.3 (MANE Select); coding-DNA position 2905, G replaced by A.
Protein change: p.Ala969Thr; replaces alanine 969 with threonine.
Molecular consequence: missense variant. On other transcripts: non-coding transcript variant (6).
Genome position (GRCh38, 1-based): chr14:95,106,123, C>T on the plus strand (G>A on the coding strand, the complement: DICER1 is on the minus strand). VCF-style: chr14-95106123-C-T. GRCh37 (hg19) VCF-style: chr14-95572460-C-T.
Other names: c.2905G>A, p.Ala969Thr (NM_001195573.1, NM_001271282.3, NM_001291628.2 and 13 more transcripts); c.2623G>A, p.Ala875Thr (NM_001395686.1); c.2500G>A, p.Ala834Thr (NM_001395687.1, NM_001395688.1, NM_001395689.1 and 2 more transcripts); c.2338G>A, p.Ala780Thr (NM_001395691.1); c.1222G>A, p.Ala408Thr (NM_001395697.1); short protein forms A408T, A780T, A834T, A875T, A969T.
Identifiers: ClinVar variation 3229351 (VCV003229351.1), dbSNP rs2139999540, ClinGen allele CA390878986.

ClinVar aggregate classification (germline): Uncertain significance (1 of 4 stars; one submission).

Conditions:
Hereditary cancer-predisposing syndrome. Also called: Neoplastic Syndromes, Hereditary; Tumor predisposition; Hereditary neoplastic syndrome; Hereditary Cancer Syndrome. Identifiers: Orphanet 140162, MedGen C0027672, MeSH D009386, MONDO:0015356.

Submission:

Ambry Genetics
Classification: Uncertain significance for Hereditary cancer-predisposing syndrome. Last evaluated: 2024-02-22. Review status: criteria provided, single submitter. Criteria: Ambry Variant Classification Scheme 2023. Collection method: clinical testing. Allele origin: germline.
Comment: The p.A969T variant (also known as c.2905G>A), located in coding exon 17 of the DICER1 gene, results from a G to A substitution at nucleotide position 2905. The alanine at codon 969 is replaced by threonine, an amino acid with similar properties. This amino acid position is conserved. In addition, this alteration is predicted to be tolerated by in silico analysis. Based on the available evidence, the clinical significance of this alteration remains unclear.